The following is an entry in ClinVar:

NM_002890.3(RASA1):c.286G>T (p.Ala96Ser)

Gene: RASA1 (RAS p21 protein activator 1; plus strand). Cytogenetic location: 5q14.3.
Variant type: single nucleotide variant.
Coding change: c.286G>T on transcript NM_002890.3 (MANE Select); coding-DNA position 286, G replaced by T.
Protein change: p.Ala96Ser; replaces alanine 96 with serine.
Molecular consequence: missense variant.
Genome position (GRCh38, 1-based): chr5:87,268,737, G>T. VCF-style: chr5-87268737-G-T. GRCh37 (hg19) VCF-style: chr5-86564554-G-T.
Other names: short protein forms A96S.
Identifiers: ClinVar variation 3702460 (VCV003702460.2).

ClinVar aggregate classification (germline): Uncertain significance (1 of 4 stars; one submission).

Conditions:
Capillary malformation-arteriovenous malformation syndrome. Also called: Capillary malformation-arteriovenous malformation. Identifiers: Orphanet 137667, MedGen C1842180, MONDO:0012016.

gnomAD v4.1: 2 of 1,613,234 alleles (0.00012%); highest among the groups gnomAD compares: African/African-American, 0.0013%; no homozygotes.

Submission:

Labcorp Genetics (formerly Invitae), Labcorp
Classification: Uncertain significance for Capillary malformation-arteriovenous malformation syndrome. Last evaluated: 2024-07-31. Review status: criteria provided, single submitter. Criteria: Invitae Variant Classification Sherloc (09022015). Collection method: clinical testing. Allele origin: germline.
Comment: This sequence change replaces alanine, which is neutral and non-polar, with serine, which is neutral and polar, at codon 96 of the RASA1 protein (p.Ala96Ser). This variant is present in population databases (rs752678103, gnomAD 0.003%). This variant has not been reported in the literature in individuals affected with RASA1-related conditions. An algorithm developed to predict the effect of missense changes on protein structure and function (PolyPhen-2) suggests that this variant is likely to be tolerated. In summary, the available evidence is currently insufficient to determine the role of this variant in disease. Therefore, it has been classified as a Variant of Uncertain Significance.